The following is an entry in ClinVar:

ClinVar aggregate classification (germline): Likely pathogenic (1 of 4 stars; one submission).

Conditions:
Ehlers-Danlos syndrome, type 4 (EDSVASC). Also called: Ehlers-Danlos Syndrome Type IV; Ehlers-Danlos syndrome vascular type; Ehlers Danlos syndrome, ecchymotic type; Ehlers Danlos syndrome, arterial type; Ehlers Danlos syndrome, Sack-Barabas type. Identifiers: Orphanet 286, MedGen C0268338, MONDO:0017314, OMIM 130050.

Submission:

Labcorp Genetics (formerly Invitae), Labcorp
Classification: Likely pathogenic for Ehlers-Danlos syndrome, type 4. Last evaluated: 2023-05-30. Review status: criteria provided, single submitter. Criteria: Invitae Variant Classification Sherloc (09022015). Collection method: clinical testing. Allele origin: germline.
Comment: This sequence change replaces glycine, which is neutral and non-polar, with alanine, which is neutral and non-polar, at codon 729 of the COL3A1 protein (p.Gly729Ala). This variant is not present in population databases (gnomAD no frequency). In summary, the currently available evidence indicates that the variant is pathogenic, but additional data are needed to prove that conclusively. Therefore, this variant has been classified as Likely Pathogenic. This variant disrupts the triple helix domain of COL3A1. Glycine residues within the Gly-Xaa-Yaa repeats of the triple helix domain are required for the structure and stability of fibrillar collagens (PMID: 7695699, 8218237, 19344236). In COL3A1, variants that affect these glycine residues are significantly enriched in individuals with disease (PMID: 24922459, 25758994) compared to the general population (ExAC). Advanced modeling of protein sequence and biophysical properties (such as structural, functional, and spatial information, amino acid conservation, physicochemical variation, residue mobility, and thermodynamic stability) performed at Invitae indicates that this missense variant is expected to disrupt COL3A1 protein function. This variant has not been reported in the literature in individuals affected with COL3A1-related conditions.

Literature cited by the submitters: PubMed 7695699; PubMed 8218237; PubMed 19344236; PubMed 24922459; PubMed 25758994.

NM_000090.4(COL3A1):c.2186G>C (p.Gly729Ala)

Gene: COL3A1 (collagen type III alpha 1 chain; plus strand). Cytogenetic location: 2q32.2.
Variant type: single nucleotide variant.
Coding change: c.2186G>C on transcript NM_000090.4 (MANE Select); coding-DNA position 2186, G replaced by C.
Protein change: p.Gly729Ala; replaces glycine 729 with alanine.
Molecular consequence: missense variant.
Genome position (GRCh38, 1-based): chr2:188,999,534, G>C. VCF-style: chr2-188999534-G-C. GRCh37 (hg19) VCF-style: chr2-189864260-G-C.
Other names: short protein forms G729A.
Identifiers: ClinVar variation 2749419 (VCV002749419.3), dbSNP rs587779680, ClinGen allele CA349840773.